The following is an entry in ClinVar:

NM_005235.3(ERBB4):c.3433C>A (p.Leu1145Met)

Gene: ERBB4 (erb-b2 receptor tyrosine kinase 4; minus strand). Cytogenetic location: 2q34.
Variant type: single nucleotide variant.
Coding change: c.3433C>A on transcript NM_005235.3 (MANE Select); coding-DNA position 3433, C replaced by A.
Protein change: p.Leu1145Met; replaces leucine 1145 with methionine.
Molecular consequence: missense variant.
Genome position (GRCh38, 1-based): chr2:211,386,901, G>T on the plus strand (C>A on the coding strand, the complement: ERBB4 is on the minus strand). VCF-style: chr2-211386901-G-T. GRCh37 (hg19) VCF-style: chr2-212251626-G-T.
Other names: c.3385C>A, p.Leu1129Met (NM_001042599.2); short protein forms L1145M, L1129M.
Identifiers: ClinVar variation 2982743 (VCV002982743.4), dbSNP rs774192228, ClinGen allele CA2087444.

ClinVar aggregate classification (germline): Conflicting classifications of pathogenicity. Review status: criteria provided, conflicting classifications (1 of 4 stars). 2 submissions from 2 submitters: Uncertain significance (1); Likely benign (1). Last evaluated 2025-04-23.

Conditions:
Inborn genetic diseases. Identifiers: MedGen C0950123, MeSH D030342.

Allele frequency attached by ClinVar (database versions not stated): TOPMed 0.00002.
gnomAD v4.1: 14 of 1,614,144 alleles (0.00087%); highest among the groups gnomAD compares: Admixed American, 0.023%; no homozygotes.

Submissions (2):

Labcorp Genetics (formerly Invitae), Labcorp
Classification: Uncertain significance. Last evaluated: 2025-04-23. Review status: criteria provided, single submitter. Criteria: Invitae Variant Classification Sherloc (09022015). Collection method: clinical testing. Allele origin: germline.
Comment: This sequence change replaces leucine, which is neutral and non-polar, with methionine, which is neutral and non-polar, at codon 1145 of the ERBB4 protein (p.Leu1145Met). This variant is present in population databases (rs774192228, gnomAD 0.04%), and has an allele count higher than expected for a pathogenic variant. This variant has not been reported in the literature in individuals affected with ERBB4-related conditions. ClinVar contains an entry for this variant (Variation ID: 2982743). An algorithm developed to predict the effect of missense changes on protein structure and function outputs the following: PolyPhen-2: "Benign". The methionine amino acid residue is found in multiple mammalian species, which suggests that this missense change does not adversely affect protein function. In summary, the available evidence is currently insufficient to determine the role of this variant in disease. Therefore, it has been classified as a Variant of Uncertain Significance.

Ambry Genetics
Classification: Likely benign for Inborn genetic diseases. Last evaluated: 2024-03-04. Review status: criteria provided, single submitter. Criteria: Ambry Variant Classification Scheme 2023. Collection method: clinical testing. Allele origin: germline.